The following is an entry in ClinVar:

ClinVar aggregate classification (germline): Uncertain significance (1 of 4 stars; one submission).

gnomAD v4.1: 6 of 1,614,198 alleles (0.00037%); highest among the groups gnomAD compares: Middle Eastern, 0.016%; no homozygotes.

Submission:

Ambry Genetics
Classification: Uncertain significance. Last evaluated: 2025-01-14. Review status: criteria provided, single submitter. Criteria: Ambry Variant Classification Scheme 2023. Collection method: clinical testing. Allele origin: germline.
Comment: The p.S293T variant (also known as c.878G>C), located in coding exon 1 of the CDK12 gene, results from a G to C substitution at nucleotide position 878. The serine at codon 293 is replaced by threonine, an amino acid with similar properties. This amino acid position is conserved. In addition, this alteration is predicted to be tolerated by in silico analysis. Based on the available evidence, the clinical significance of this variant remains unclear.

NM_016507.4(CDK12):c.878G>C (p.Ser293Thr)

Genes: CDK12 (cyclin dependent kinase 12; plus strand), LOC126862553 (CDK7 strongly-dependent group 2 enhancer GRCh37_chr17:37618166-37619365; plus strand). Cytogenetic location: 17q12.
Variant type: single nucleotide variant.
Coding change: c.878G>C on transcript NM_016507.4 (MANE Select); coding-DNA position 878, G replaced by C.
Protein change: p.Ser293Thr; replaces serine 293 with threonine.
Molecular consequence: missense variant.
Genome position (GRCh38, 1-based): chr17:39,462,949, G>C. VCF-style: chr17-39462949-G-C. GRCh37 (hg19) VCF-style: chr17-37619202-G-C.
Other names: c.878G>C, p.Ser293Thr (NM_015083.4); short protein forms S293T.
Identifiers: ClinVar variation 3830500 (VCV003830500.1).